The following is an entry in ClinVar:

NM_001830.4(CLCN4):c.1303G>T (p.Gly435Cys)

Gene: CLCN4 (chloride voltage-gated channel 4; plus strand). Cytogenetic location: Xp22.2.
Variant type: single nucleotide variant.
Coding change: c.1303G>T on transcript NM_001830.4 (MANE Select); coding-DNA position 1303, G replaced by T.
Protein change: p.Gly435Cys; replaces glycine 435 with cysteine.
Molecular consequence: missense variant.
Genome position (GRCh38, 1-based): chrX:10,208,504, G>T. VCF-style: chrX-10208504-G-T. GRCh37 (hg19) VCF-style: chrX-10176544-G-T.
Other names: c.1303G>T (NM_001830.3); c.1021G>T, p.Gly341Cys (NM_001256944.2); short protein forms G435C, G341C.
Identifiers: ClinVar variation 2841997 (VCV002841997.4), dbSNP rs1039875267, ClinGen allele CA412038504.
Genomic context (GRCh38, chrX:10,208,504, plus strand): 5'-GACTACATCAATGACCCCAACATGACTCGGCCTGTGGATGACATTCCAGACCGGCCGGCT[G>T]GTGTCGGTGTTTACACGGCCATGTGGCAGCTGGCCCTGGCACTGATCTTCAAAATCGTCG-3'
Protein context (NP_001821.2, residues 425-445): PVDDIPDRPA[Gly435Cys]VGVYTAMWQL

ClinVar aggregate classification (germline): Uncertain significance. Review status: criteria provided, multiple submitters, no conflicts (2 of 4 stars). 2 submissions from 2 submitters: Uncertain significance (2). Last evaluated 2025-01-09.

Submissions (2):

GeneDx
Classification: Uncertain significance. Last evaluated: 2025-01-09. Review status: criteria provided, single submitter. Criteria: GeneDx Variant Classification Process June 2021. Collection method: clinical testing. Allele origin: germline. Affected: yes.
Comment: Not observed at significant frequency in large population cohorts (gnomAD); In silico analysis supports that this missense variant has a deleterious effect on protein structure/function; Has not been previously published as pathogenic or benign to our knowledge

Labcorp Genetics (formerly Invitae), Labcorp
Classification: Uncertain significance. Last evaluated: 2024-09-25. Review status: criteria provided, single submitter. Criteria: Invitae Variant Classification Sherloc (09022015). Collection method: clinical testing. Allele origin: germline.
Comment: This sequence change replaces glycine, which is neutral and non-polar, with cysteine, which is neutral and slightly polar, at codon 435 of the CLCN4 protein (p.Gly435Cys). This variant is not present in population databases (gnomAD no frequency). This variant has not been reported in the literature in individuals affected with CLCN4-related conditions. Invitae Evidence Modeling of protein sequence and biophysical properties (such as structural, functional, and spatial information, amino acid conservation, physicochemical variation, residue mobility, and thermodynamic stability) has been performed for this missense variant. However, the output from this modeling did not meet the statistical confidence thresholds required to predict the impact of this variant on CLCN4 protein function. In summary, the available evidence is currently insufficient to determine the role of this variant in disease. Therefore, it has been classified as a Variant of Uncertain Significance.